The following is an entry in ClinVar:

NM_001042492.3(NF1):c.3019del (p.His1007fs)

Gene: NF1 (neurofibromin 1; plus strand). Cytogenetic location: 17q11.2.
Variant type: Deletion.
Coding change: c.3019del on transcript NM_001042492.3 (MANE Select); coding-DNA position 3019, one base deleted (C; older notation c.3019delC).
Protein change: p.His1007fs; shifts the reading frame from histidine 1007.
Molecular consequence: frameshift variant.
Genome position (GRCh38, 1-based): chr17:31,230,288, C deleted; the last of 2 consecutive C bases (chr17:31,230,287-31,230,288); deleting either gives the same sequence. VCF-style (leftmost placement, unchanged base first): chr17-31230286-TC-T. GRCh37 (hg19) VCF-style: chr17-29557304-TC-T.
Other names: c.3019delC, p.His1007Metfs (NM_000267.4); short protein forms H1007fs.
Identifiers: ClinVar variation 2711234 (VCV002711234.4), dbSNP rs2508205338, ClinGen allele CA2697559772.

ClinVar aggregate classification (germline): Pathogenic. Review status: criteria provided, multiple submitters, no conflicts (2 of 4 stars). 2 submissions from 2 submitters: Pathogenic (2). Last evaluated 2025-02-25.

Conditions:
Neurofibromatosis, type 1 (NF1). Also called: Peripheral type neurofibromatosis; VON RECKLINGHAUSEN DISEASE; NEUROFIBROMATOSIS, TYPE I, SOMATIC; Neurofibromatosis, type I. Identifiers: Orphanet 636, MedGen C0027831, MONDO:0018975, OMIM 162200. Disease mechanism: loss of function.

Submissions (2):

ARUP Laboratories, Molecular Genetics and Genomics, ARUP Laboratories
Classification: Pathogenic. Last evaluated: 2025-02-25. Review status: criteria provided, single submitter. Criteria: ARUP Molecular Germline Variant Investigation Process 2024. Collection method: clinical testing. Allele origin: germline.
Comment: The NF1 c.3019del; p.His1007MetfsTer5 variant, to our knowledge, is not reported in the medical literature but is reported in ClinVar (Variation ID: 2711234). This variant is absent from the Genome Aggregation Database (v2.1.1), indicating it is not a common polymorphism. This variant causes a frameshift by deleting a single nucleotide, so it is predicted to result in a truncated protein or mRNA subject to nonsense-mediated decay. Other truncating variants in the same exon are reported in individuals affected with neurofibromatosis type 1 and are considered disease causing (Cali 2017, Sabbagh 2013). Based on available information, the c.3019del variant is considered to be pathogenic. References: Cali F et al. Mutation spectrum of NF1 gene in Italian patients with neurofibromatosis type 1 using Ion Torrent PGM(TM) platform. Eur J Med Genet. 2017 Feb;60(2):93-99. PMID: 27838393. Sabbagh A et al. NF1 molecular characterization and neurofibromatosis type I genotype-phenotype correlation: the French experience. Hum Mutat. 2013 Nov;34(11):1510-8. PMID: 23913538.

Labcorp Genetics (formerly Invitae), Labcorp
Classification: Pathogenic for Neurofibromatosis, type 1. Last evaluated: 2023-06-11. Review status: criteria provided, single submitter. Criteria: Invitae Variant Classification Sherloc (09022015). Collection method: clinical testing. Allele origin: germline.
Comment: This variant has not been reported in the literature in individuals affected with NF1-related conditions. For these reasons, this variant has been classified as Pathogenic. This variant is not present in population databases (gnomAD no frequency). This sequence change creates a premature translational stop signal (p.His1007Metfs*5) in the NF1 gene. It is expected to result in an absent or disrupted protein product. Loss-of-function variants in NF1 are known to be pathogenic (PMID: 10712197, 23913538).

Literature cited by the submitters: PubMed 10712197 (cited by Labcorp Genetics (formerly Invitae), Labcorp); PubMed 23913538 (cited by Labcorp Genetics (formerly Invitae), Labcorp).